The following is an entry in ClinVar:

NM_005033.3(EXOSC9):c.1157-171A>G

Gene: EXOSC9 (exosome component 9; plus strand). Cytogenetic location: 4q27.
Variant type: single nucleotide variant.
Coding change: c.1157-171A>G on transcript NM_005033.3 (MANE Select); 171 bases into the intron before coding-DNA position 1157, A replaced by G.
Molecular consequence: intron variant.
Genome position (GRCh38, 1-based): chr4:121,816,198, A>G. VCF-style: chr4-121816198-A-G. GRCh37 (hg19) VCF-style: chr4-122737353-A-G.
Other names: c.1207+4A>G (NM_001034194.2).
Identifiers: ClinVar variation 1948373 (VCV001948373.3), dbSNP rs1724494999, ClinGen allele CA1490010173.

ClinVar aggregate classification (germline): Uncertain significance (1 of 4 stars; one submission).

Allele frequency attached by ClinVar (database versions not stated): TOPMed below 0.00001.

Submission:

Labcorp Genetics (formerly Invitae), Labcorp
Classification: Uncertain significance. Last evaluated: 2022-06-14. Review status: criteria provided, single submitter. Criteria: Invitae Variant Classification Sherloc (09022015). Collection method: clinical testing. Allele origin: germline.
Comment: In summary, the available evidence is currently insufficient to determine the role of this variant in disease. Therefore, it has been classified as a Variant of Uncertain Significance. Variants that disrupt the consensus splice site are a relatively common cause of aberrant splicing (PMID: 17576681, 9536098). Algorithms developed to predict the effect of sequence changes on RNA splicing suggest that this variant may disrupt the consensus splice site. This variant has not been reported in the literature in individuals affected with EXOSC9-related conditions. This variant is not present in population databases (gnomAD no frequency). This sequence change falls in intron 11 of the EXOSC9 gene. It does not directly change the encoded amino acid sequence of the EXOSC9 protein. It affects a nucleotide within the consensus splice site.

Literature cited by the submitters: PubMed 17576681; PubMed 9536098.